The following is an entry in ClinVar:

ClinVar aggregate classification (germline): Uncertain significance (1 of 4 stars; one submission).

Submission:

GeneDx
Classification: Uncertain significance. Last evaluated: 2023-05-15. Review status: criteria provided, single submitter. Criteria: GeneDx Variant Classification Process June 2021. Collection method: clinical testing. Allele origin: germline. Affected: yes.
Comment: Not observed at significant frequency in large population cohorts (gnomAD); In silico analysis supports that this missense variant does not alter protein structure/function; Has not been previously published as pathogenic or benign to our knowledge

NM_000414.4(HSD17B4):c.615G>A (p.Met205Ile)

Gene: HSD17B4 (hydroxysteroid 17-beta dehydrogenase 4; plus strand). Cytogenetic location: 5q23.1.
Variant type: single nucleotide variant.
Coding change: c.615G>A on transcript NM_000414.4 (MANE Select); coding-DNA position 615, G replaced by A.
Protein change: p.Met205Ile; replaces methionine 205 with isoleucine.
Molecular consequence: missense variant. On other transcripts: non-coding transcript variant (2).
Genome position (GRCh38, 1-based): chr5:119,479,014, G>A. VCF-style: chr5-119479014-G-A. GRCh37 (hg19) VCF-style: chr5-118814709-G-A.
Other names: c.690G>A, p.Met230Ile (NM_001199291.3); c.561G>A, p.Met187Ile (NM_001199292.2); c.543G>A, p.Met181Ile (NM_001292027.2); c.195G>A, p.Met65Ile (NM_001292028.2); c.606G>A, p.Met202Ile (NM_001374497.1); c.615G>A, p.Met205Ile (NM_001374498.1); c.288G>A, p.Met96Ile (NM_001374499.1); c.174G>A, p.Met58Ile (NM_001374500.1); and 1 more; short protein forms M181I, M187I, M202I, M205I, M230I, M58I, M65I, M68I.
Identifiers: ClinVar variation 3343392 (VCV003343392.1).